The following is an entry in ClinVar:

ClinVar aggregate classification (germline): Likely benign. Review status: criteria provided, multiple submitters, no conflicts (2 of 4 stars). 5 submissions from 5 submitters: Likely benign (5). Last evaluated 2025-10-02.

Conditions:
Familial thoracic aortic aneurysm and aortic dissection (TAAD). Also called: Thoracic aortic aneurysms and dissections. Identifiers: Orphanet 91387, MedGen C4707243, MONDO:0019625.
Aortic aneurysm, familial thoracic 4 (AAT4). Also called: AORTIC ANEURYSM/AORTIC DISSECTION AND PATENT DUCTUS ARTERIOSUS. Identifiers: MedGen C1851504, MONDO:0007568, OMIM 132900.

Allele frequency attached by ClinVar (database versions not stated): gnomAD 0.00001 and 0.00002; gnomAD exomes 0.00001; TOPMed 0.00001.
gnomAD v4.1: 48 of 1,614,010 alleles (0.003%); highest among the groups gnomAD compares: East Asian, 0.0067%; no homozygotes.

Submissions (5):

Labcorp Genetics (formerly Invitae), Labcorp
Classification: Likely benign for Aortic aneurysm, familial thoracic 4. Last evaluated: 2025-10-02. Review status: criteria provided, single submitter. Criteria: Invitae Variant Classification Sherloc (09022015). Collection method: clinical testing. Allele origin: germline.

All of Us Research Program, National Institutes of Health
Classification: Likely benign for Familial thoracic aortic aneurysm and aortic dissection. Last evaluated: 2023-11-20. Review status: criteria provided, single submitter. Criteria: ACMG Guidelines, 2015. Collection method: clinical testing. Allele origin: germline. Inheritance: Autosomal dominant inheritance. Observed: 7 variant alleles, 7 heterozygotes.
Comment: This study involves interpretation of variants in research participants for the purpose of population health screening. Participant phenotype was not available at the time of variant classification. Additional details can be found in publication PMID: 35346344, PMCID: PMC8962531

GeneDx
Classification: Likely benign. Last evaluated: 2021-10-16. Review status: criteria provided, single submitter. Criteria: GeneDx Variant Classification Process June 2021. Collection method: clinical testing. Allele origin: germline. Affected: yes.

Ambry Genetics
Classification: Likely benign for Familial thoracic aortic aneurysm and aortic dissection. Last evaluated: 2019-07-17. Review status: criteria provided, single submitter. Criteria: Ambry Variant Classification Scheme 2023. Collection method: clinical testing. Allele origin: germline.

Color Diagnostics, LLC DBA Color Health
Classification: Likely benign for Familial thoracic aortic aneurysm and aortic dissection. Last evaluated: 2019-01-21. Review status: criteria provided, single submitter. Criteria: ACMG Guidelines, 2015. Collection method: clinical testing. Allele origin: germline.

NM_002474.3(MYH11):c.4224C>T (p.Tyr1408=)

Genes: NDE1 (nudE neurodevelopment protein 1; plus strand), MYH11 (myosin heavy chain 11; minus strand). Cytogenetic location: 16p13.11.
Variant type: single nucleotide variant.
Coding change: c.4224C>T on transcript NM_002474.3 (MANE Select); coding-DNA position 4224, C replaced by T.
Protein change: p.Tyr1408=; no amino-acid change (tyrosine 1408 retained).
Molecular consequence: synonymous variant. On other transcripts: 3 prime UTR variant (2).
Genome position (GRCh38, 1-based): chr16:15,724,302, G>A on the plus strand (C>T on the coding strand, the complement: MYH11 is on the minus strand). VCF-style: chr16-15724302-G-A. GRCh37 (hg19) VCF-style: chr16-15818159-G-A.
Other names: c.4245C>T, p.Tyr1415= (NM_001040113.2, NM_001040114.2); c.4224C>T, p.Tyr1408= (NM_022844.3); c.*51G>A (NM_001143979.2, NM_017668.3).
Identifiers: ClinVar variation 919124 (VCV000919124.17), dbSNP rs1346896885, ClinGen allele CA494088034.